The following is an entry in ClinVar:

ClinVar aggregate classification (germline): Uncertain significance/Uncertain risk allele. Review status: criteria provided, multiple submitters, no conflicts (2 of 4 stars). 2 submissions from 2 submitters: Uncertain significance (1); Uncertain risk allele (1). Last evaluated 2020-01-22.

Conditions:
Maturity-onset diabetes of the young (MODY). Also called: Maturity onset diabetes mellitus in young. Identifiers: Orphanet 552, MedGen C0342276, MONDO:0018911, HP:0004904.
Maturity-onset diabetes of the young type 3. Also called: MODY type 3; MODY, type III. Identifiers: Orphanet 552, MedGen C1838100, MeSH C563933, MONDO:0010894, OMIM 600496. Disease mechanism: loss of function.

Allele frequency attached by ClinVar (database versions not stated): gnomAD exomes 0.00001; gnomAD 0.00004 and 0.00003; TOPMed 0.00002.
gnomAD v4.1: 14 of 1,609,862 alleles (0.00087%); highest among the groups gnomAD compares: African/African-American, 0.0027%; no homozygotes.

Submissions (2):

Broad Center for Mendelian Genomics, Broad Institute of MIT and Harvard
Classification: Uncertain significance for Maturity-onset diabetes of the young type 3. Last evaluated: 2020-01-22. Review status: criteria provided, single submitter. Criteria: ACMG Guidelines, 2015. Collection method: curation. Allele origin: germline. Inheritance: Autosomal dominant inheritance.
Comment: The p.His500Asn variant in HNF1A has not been previously reported in individuals with MODY but has been identified in 0.011% (1/8716) of African chromosomes and 0.0065% (1/15428) of European (non-Finnish) chromosomes by the Genome Aggregation Database (gnomAD; dbSNP rs921423540). This variant has been seen in the general population at a frequency high enough to rule out a pathogenic role. Computational prediction tools and conservation analyses suggest that this variant may impact the protein, though this information is not predictive enough to determine pathogenicity. In summary, the clinical significance of the p.His500Asn variant is uncertain. ACMG/AMP Criteria applied: BA1, PP3 (Richards 2015).

Clinical Genomics, Uppaluri K&H Personalized Medicine Clinic
Classification: Uncertain risk allele for Maturity-onset diabetes of the young. Review status: criteria provided, single submitter. Criteria: K & H Uppaluri Personalized Medicine Clinic Variant Classification & Assertion Criteria_Updated V.1. Collection method: research. Allele origin: unknown. Inheritance: Autosomal dominant inheritance.
Comment: Mutations in HNF1A gene can predispose to MODY3. It is associated with both micro and macrovascular complications of diabetes, especially cardiovascular complications. Associated with glucosuria. May respond well to sulfonylureas. However, more evidence is required to confer the association of this particular variant rs921423540 with MODY3.

Literature cited by the submitters: PubMed 31517624 (cited by Clinical Genomics, Uppaluri K&H Personalized Medicine Clinic); PubMed 35328643 (cited by Clinical Genomics, Uppaluri K&H Personalized Medicine Clinic); PubMed 32395877 (cited by Clinical Genomics, Uppaluri K&H Personalized Medicine Clinic); PubMed 35673428 (cited by Clinical Genomics, Uppaluri K&H Personalized Medicine Clinic).

NM_000545.8(HNF1A):c.1498C>A (p.His500Asn)

Gene: HNF1A (HNF1 homeobox A; plus strand). Cytogenetic location: 12q24.31.
Variant type: single nucleotide variant.
Coding change: c.1498C>A on transcript NM_000545.8 (MANE Select); coding-DNA position 1498, C replaced by A.
Protein change: p.His500Asn; replaces histidine 500 with asparagine.
Molecular consequence: missense variant.
Genome position (GRCh38, 1-based): chr12:120,997,662, C>A. VCF-style: chr12-120997662-C-A. GRCh37 (hg19) VCF-style: chr12-121435465-C-A.
Other names: c.1498C>A, p.His500Asn (NM_001306179.2); short protein forms H500N.
Identifiers: ClinVar variation 972768 (VCV000972768.3), dbSNP rs921423540, ClinGen allele CA244535122.